The following is an entry in ClinVar:

NM_000722.4(CACNA2D1):c.2968A>G (p.Ile990Val)

Gene: CACNA2D1 (calcium voltage-gated channel auxiliary subunit alpha2delta 1; minus strand). Cytogenetic location: 7q21.11.
Variant type: single nucleotide variant.
Coding change: c.2968A>G on transcript NM_000722.4 (MANE Select); coding-DNA position 2968, A replaced by G.
Protein change: p.Ile990Val; replaces isoleucine 990 with valine.
Molecular consequence: missense variant.
Genome position (GRCh38, 1-based): chr7:81,959,828, T>C on the plus strand (A>G on the coding strand, the complement: CACNA2D1 is on the minus strand). VCF-style: chr7-81959828-T-C. GRCh37 (hg19) VCF-style: chr7-81589144-T-C.
Other names: c.3004A>G, p.Ile1002Val (NM_001366867.1); short protein forms I1002V, I990V.
Identifiers: ClinVar variation 2920026 (VCV002920026.4), dbSNP rs150594547, ClinGen allele CA4317419.
Genomic context (GRCh38, chr7:81,959,828, plus strand): 5'-CTTTGCTCTCAACCATTATGAATATTAAGTTGGTGTTCATAAGCTTTTCTCCATGAAAGA[T>C]TCTGCAAAATAAATATGGTATCATAGAAAATGAGTATCTTTTCCAAAATAAATGGAAATC-3'
Protein context (NP_000713.2, residues 980-1000): GVLDCGNCSR[Ile990Val]FHGEKLMNTN

ClinVar aggregate classification (germline): Uncertain significance. Review status: criteria provided, multiple submitters, no conflicts (2 of 4 stars). 2 submissions from 2 submitters: Uncertain significance (2). Last evaluated 2023-12-11.

Conditions:
Brugada syndrome. Also called: Sudden unexplained nocturnal death syndrome; Sudden Unexplained Death Syndrome; Sudden Unexplained Nocturnal Death Syndrome (SUNDS); Sudden unexpected nocturnal death syndrome. Identifiers: Orphanet 130, MedGen C1142166, MONDO:0015263.
Cardiovascular phenotype. Identifiers: MedGen CN230736.

Allele frequency attached by ClinVar (database versions not stated): gnomAD exomes below 0.00001; ExAC 0.00001; gnomAD 0.00001; ESP Exome Variant Server 0.00008.
gnomAD v4.1: 2 of 1,611,480 alleles (0.00012%); highest among the groups gnomAD compares: African/African-American, 0.0013%; no homozygotes.

Submissions (2):

Ambry Genetics
Classification: Uncertain significance for Cardiovascular phenotype. Last evaluated: 2023-12-11. Review status: criteria provided, single submitter. Criteria: Ambry Variant Classification Scheme 2023. Collection method: clinical testing. Allele origin: germline.
Comment: The p.I990V variant (also known as c.2968A>G), located in coding exon 37 of the CACNA2D1 gene, results from an A to G substitution at nucleotide position 2968. The isoleucine at codon 990 is replaced by valine, an amino acid with highly similar properties. This amino acid position is conserved. In addition, this alteration is predicted to be tolerated by in silico analysis. Since supporting evidence is limited at this time, the clinical significance of this alteration remains unclear.

Labcorp Genetics (formerly Invitae), Labcorp
Classification: Uncertain significance for Brugada syndrome. Last evaluated: 2023-04-19. Review status: criteria provided, single submitter. Criteria: Invitae Variant Classification Sherloc (09022015). Collection method: clinical testing. Allele origin: germline.
Comment: An algorithm developed to predict the effect of missense changes on protein structure and function (PolyPhen-2) suggests that this variant is likely to be tolerated. In summary, the available evidence is currently insufficient to determine the role of this variant in disease. Therefore, it has been classified as a Variant of Uncertain Significance. This sequence change replaces isoleucine, which is neutral and non-polar, with valine, which is neutral and non-polar, at codon 990 of the CACNA2D1 protein (p.Ile990Val). This variant is present in population databases (rs150594547, gnomAD 0.004%). This variant has not been reported in the literature in individuals affected with CACNA2D1-related conditions.